The following is an entry in ClinVar:

NM_001009944.3(PKD1):c.7177T>C (p.Cys2393Arg)

Gene: PKD1 (polycystin 1, transient receptor potential channel interacting; minus strand). Cytogenetic location: 16p13.3.
Variant type: single nucleotide variant.
Coding change: c.7177T>C on transcript NM_001009944.3 (MANE Select); coding-DNA position 7177, T replaced by C.
Protein change: p.Cys2393Arg; replaces cysteine 2393 with arginine.
Molecular consequence: missense variant.
Genome position (GRCh38, 1-based): chr16:2,106,837, A>G on the plus strand (T>C on the coding strand, the complement: PKD1 is on the minus strand). VCF-style: chr16-2106837-A-G. GRCh37 (hg19) VCF-style: chr16-2156838-A-G.
Other names: c.7177T>C, p.Cys2393Arg (NM_000296.4); short protein forms C2393R.
Identifiers: ClinVar variation 3382256 (VCV003382256.2).

ClinVar aggregate classification (germline): Uncertain significance (1 of 4 stars; one submission).

Conditions:
Polycystic kidney disease, adult type (PKD1). Also called: POLYCYSTIC KIDNEY DISEASE, ADULT, TYPE I; Polycystic Kidney Disease 1, Autosomal Dominant; Polycystic kidney disease 1; Polycystic kidney disease 1, severe; Polycystic Kidney, Autosomal Dominant; POLYCYSTIC KIDNEY DISEASE 1 WITH OR WITHOUT POLYCYSTIC LIVER DISEASE. Identifiers: MedGen C3149841, MONDO:0008263, OMIM 173900.

Submission:

Juno Genomics, Hangzhou Juno Genomics, Inc
Classification: Uncertain significance for Polycystic kidney disease, adult type. Review status: criteria provided, single submitter. Criteria: ACMG Guidelines, 2015. Collection method: clinical testing. Allele origin: germline. Affected: yes.
Comment: Absent from controls (or at extremely low frequency if recessive) in Genome Aggregation Database, Exome Sequencing Project, 1000 Genomes Project, or Exome Aggregation Consortium.;Multiple lines of computational evidence support a deleterious effect on the gene or gene product (conservation, evolutionary, splicing impact, etc).;Patient's phenotype or family history is highly specific for a disease with a single genetic etiology.